The following is an entry in ClinVar:

NM_000342.4(SLC4A1):c.1186G>A (p.Asp396Asn)

Gene: SLC4A1 (solute carrier family 4 member 1 (Diego blood group); minus strand). Cytogenetic location: 17q21.31.
Variant type: single nucleotide variant.
Coding change: c.1186G>A on transcript NM_000342.4 (MANE Select); coding-DNA position 1186, G replaced by A.
Protein change: p.Asp396Asn; replaces aspartic acid 396 with asparagine.
Molecular consequence: missense variant.
Genome position (GRCh38, 1-based): chr17:44,258,082, C>T on the plus strand (G>A on the coding strand, the complement: SLC4A1 is on the minus strand). VCF-style: chr17-44258082-C-T. GRCh37 (hg19) VCF-style: chr17-42335450-C-T.
Other names: short protein forms D396N.
Identifiers: ClinVar variation 2988135 (VCV002988135.3), dbSNP rs1248859174, ClinGen allele CA399788240.

ClinVar aggregate classification (germline): Uncertain significance (1 of 4 stars; one submission).

Allele frequency attached by ClinVar (database versions not stated): TOPMed below 0.00001; gnomAD 0.00001; gnomAD exomes 0.00001.
gnomAD v4.1: 5 of 1,613,956 alleles (0.00031%); highest among the groups gnomAD compares: Non-Finnish European, 0.00034%; no homozygotes.

Submission:

Labcorp Genetics (formerly Invitae), Labcorp
Classification: Uncertain significance. Last evaluated: 2022-11-08. Review status: criteria provided, single submitter. Criteria: Invitae Variant Classification Sherloc (09022015). Collection method: clinical testing. Allele origin: germline.
Comment: This sequence change replaces aspartic acid, which is acidic and polar, with asparagine, which is neutral and polar, at codon 396 of the SLC4A1 protein (p.Asp396Asn). This variant is present in population databases (no rsID available, gnomAD 0.007%). This variant has not been reported in the literature in individuals affected with SLC4A1-related conditions. Advanced modeling of protein sequence and biophysical properties (such as structural, functional, and spatial information, amino acid conservation, physicochemical variation, residue mobility, and thermodynamic stability) performed at Invitae indicates that this missense variant is expected to disrupt SLC4A1 protein function. In summary, the available evidence is currently insufficient to determine the role of this variant in disease. Therefore, it has been classified as a Variant of Uncertain Significance.